The following is an entry in ClinVar:

NM_024675.4(PALB2):c.3202-8G>A

Gene: PALB2 (partner and localizer of BRCA2; minus strand). Cytogenetic location: 16p12.2.
Variant type: single nucleotide variant.
Coding change: c.3202-8G>A on transcript NM_024675.4 (MANE Select); 8 bases into the intron before coding-DNA position 3202, G replaced by A.
Molecular consequence: intron variant.
Genome position (GRCh38, 1-based): chr16:23,608,020, C>T on the plus strand (G>A on the coding strand, the complement: PALB2 is on the minus strand). VCF-style: chr16-23608020-C-T. GRCh37 (hg19) VCF-style: chr16-23619341-C-T.
Identifiers: ClinVar variation 182749 (VCV000182749.60), dbSNP rs367979106, ClinGen allele CA299679.

ClinVar aggregate classification (germline): Conflicting classifications of pathogenicity. Review status: criteria provided, conflicting classifications (1 of 4 stars). 8 submissions from 8 submitters: Uncertain significance (2); Benign (2); Likely benign (4). Last evaluated 2025-12-29.

Conditions:
Hereditary cancer-predisposing syndrome. Also called: Tumor predisposition; Neoplastic Syndromes, Hereditary; Hereditary Cancer Syndrome; Hereditary neoplastic syndrome. Identifiers: Orphanet 140162, MedGen C0027672, MeSH D009386, MONDO:0015356.
Familial cancer of breast. Also called: hereditary breast carcinoma; BREAST CANCER, FAMILIAL; Hereditary breast cancer. Identifiers: Orphanet 227535, MedGen C0346153, MONDO:0016419, OMIM 114480. Disease mechanism: loss of function.

Allele frequency attached by ClinVar (database versions not stated): TOPMed 0.00003.
gnomAD v4.1: 27 of 1,612,996 alleles (0.0017%); highest among the groups gnomAD compares: Non-Finnish European, 0.0021%; no homozygotes.

Submissions (8):

Labcorp Genetics (formerly Invitae), Labcorp
Classification: Likely benign for Familial cancer of breast. Last evaluated: 2025-12-29. Review status: criteria provided, single submitter. Criteria: Invitae Variant Classification Sherloc (09022015). Collection method: clinical testing. Allele origin: germline.

Quest Diagnostics Nichols Institute San Juan Capistrano
Classification: Uncertain significance. Last evaluated: 2025-09-12. Review status: criteria provided, single submitter. Criteria: Quest Diagnostics criteria. Collection method: clinical testing. Allele origin: unknown.
Comment: The PALB2 c.3202-8G>A variant has been reported in the published literature in individuals with breast cancer (PMID: 28779002 (2017)). The frequency of this variant in the general population (Genome Aggregation Database) is uninformative in the assessment of its pathogenicity. Analysis of this variant using software algorithms for the prediction of the effect of nucleotide changes on splicing yielded predictions that this variant does not affect PALB2 mRNA splicing. Based on the available information, we are unable to determine the clinical significance of this variant.

Women's Health and Genetics/Laboratory Corporation of America, LabCorp
Classification: Likely benign. Last evaluated: 2025-04-28. Review status: criteria provided, single submitter. Criteria: LabCorp Variant Classification Summary - May 2015. Collection method: clinical testing. Allele origin: germline.
Comment: Variant summary: PALB2 c.3202-8G>A alters a conserved nucleotide located at a position not widely known to affect splicing. Consensus agreement among computation tools predict no significant impact on normal splicing. However, these predictions have yet to be confirmed by functional studies. The variant allele was found at a frequency of 4e-06 in 251310 control chromosomes. The available data on variant occurrences in the general population are insufficient to allow any conclusion about variant significance. To our knowledge, no occurrence of c.3202-8G>A in individuals affected with Hereditary Breast And Ovarian Cancer Syndrome and no experimental evidence demonstrating its impact on protein function have been reported. ClinVar contains an entry for this variant (Variation ID: 182749). Based on the evidence outlined above, the variant was classified as likely benign.

Myriad Genetics, Inc.
Classification: Benign for Familial cancer of breast. Last evaluated: 2025-01-21. Review status: criteria provided, single submitter. Criteria: Myriad Autosomal Dominant, Autosomal Recessive and X-Linked Classification Criteria (2023). Collection method: clinical testing. Allele origin: unknown.
Comment: This variant is considered benign. This variant is intronic and is not expected to impact mRNA splicing. This variant is strongly associated with less severe personal and family histories of cancer, typical for individuals without pathogenic variants in this gene [PMID: 25085752].

Blueprint Genetics
Classification: Likely benign. Last evaluated: 2020-04-22. Review status: criteria provided, single submitter. Criteria: ACMG Guidelines, 2015. Collection method: clinical testing. Allele origin: germline.

CeGaT Center for Human Genetics Tuebingen
Classification: Uncertain significance. Last evaluated: 2016-11-01. Review status: criteria provided, single submitter. Criteria: CeGaT Center For Human Genetics Tuebingen Variant Classification Criteria Version 2. Collection method: clinical testing. Allele origin: germline. Affected: yes. Observed: 1 variant allele.

Color Diagnostics, LLC DBA Color Health
Classification: Likely benign for Hereditary cancer-predisposing syndrome. Last evaluated: 2016-10-03. Review status: criteria provided, single submitter. Criteria: ACMG Guidelines, 2015. Collection method: clinical testing. Allele origin: germline.

GeneDx
Classification: Benign. Last evaluated: 2014-09-02. Review status: criteria provided, single submitter. Criteria: GeneDx Variant Classification (06012015). Collection method: clinical testing. Allele origin: germline. Affected: yes.
Comment: This variant is considered likely benign or benign based on one or more of the following criteria: it is a conservative change, it occurs at a poorly conserved position in the protein, it is predicted to be benign by multiple in silico algorithms, and/or has population frequency not consistent with disease.

Literature cited by the submitters: PubMed 28779002 (cited by Quest Diagnostics Nichols Institute San Juan Capistrano); PubMed 25085752 (cited by Myriad Genetics, Inc.).